The following is an entry in ClinVar:

ClinVar aggregate classification (germline): Uncertain significance (1 of 4 stars; one submission).

Allele frequency attached by ClinVar (database versions not stated): TOPMed below 0.00001; gnomAD 0.00001; gnomAD exomes 0.00001 and 0.00002; ExAC 0.00002.
gnomAD v4.1: 35 of 1,613,460 alleles (0.0022%); highest among the groups gnomAD compares: East Asian, 0.065%; no homozygotes.

Submission:

Women's Health and Genetics/Laboratory Corporation of America, LabCorp
Classification: Uncertain significance. Last evaluated: 2023-05-16. Review status: criteria provided, single submitter. Criteria: LabCorp Variant Classification Summary - May 2015. Collection method: clinical testing. Allele origin: germline.
Comment: Variant summary: TTN c.22100A>G (p.Asn7367Ser) results in a conservative amino acid change located in the I-band domain of the encoded protein sequence. Five of five in-silico tools predict a benign effect of the variant on protein function. The variant allele was found at a frequency of 1.2e-05 in 249934 control chromosomes. The available data on variant occurrences in the general population are insufficient to allow any conclusion about variant significance. c.22100A>G has been reported in the literature in one individual affected with idiopathic ventricular fibrillation (Song_2017). The report does not provide unequivocal conclusions about association of the variant with Dilated Cardiomyopathy. To our knowledge, no experimental evidence demonstrating an impact on protein function has been reported. The following publication has been ascertained in the context of this evaluation (PMID: 28202948). No clinical diagnostic laboratories have submitted clinical-significance assessments for this variant to ClinVar after 2014. Based on the evidence outlined above, the variant was classified as uncertain significance.

Literature cited by the submitters: PubMed 28202948.

NM_001267550.2(TTN):c.25832A>G (p.Asn8611Ser)

Gene: TTN (titin; minus strand). Cytogenetic location: 2q31.2.
Variant type: single nucleotide variant.
Coding change: c.25832A>G on transcript NM_001267550.2 (MANE Select); coding-DNA position 25832, A replaced by G.
Protein change: p.Asn8611Ser; replaces asparagine 8611 with serine.
Molecular consequence: missense variant. On other transcripts: intron variant (3).
Genome position (GRCh38, 1-based): chr2:178,715,582, T>C on the plus strand (A>G on the coding strand, the complement: TTN is on the minus strand). VCF-style: chr2-178715582-T-C. GRCh37 (hg19) VCF-style: chr2-179580309-T-C.
Other names: c.24881A>G, p.Asn8294Ser (NM_001256850.1); c.22100A>G, p.Asn7367Ser (NM_133378.4); c.13282+22500A>G (NM_003319.4); c.13858+22500A>G (NM_133437.4); c.13657+22500A>G (NM_133432.3); short protein forms N7367S, N8294S, N8611S.
Identifiers: ClinVar variation 997875 (VCV000997875.2), dbSNP rs779262321, ClinGen allele CA2000134.